The following is an entry in ClinVar:

ClinVar aggregate classification (germline): Likely benign (1 of 4 stars; one submission).

Conditions:
Ehlers-Danlos syndrome, type 4 (EDSVASC). Also called: Ehlers-Danlos Syndrome Type IV; Ehlers-Danlos syndrome vascular type; Ehlers Danlos syndrome, ecchymotic type; Ehlers Danlos syndrome, arterial type; Ehlers Danlos syndrome, Sack-Barabas type. Identifiers: Orphanet 286, MedGen C0268338, MONDO:0017314, OMIM 130050.

Submission:

All of Us Research Program, National Institutes of Health
Classification: Likely benign for Ehlers-Danlos syndrome, type 4. Last evaluated: 2023-09-17. Review status: criteria provided, single submitter. Criteria: ACMG Guidelines, 2015. Collection method: clinical testing. Allele origin: germline. Inheritance: Autosomal dominant inheritance. Observed: 1 variant allele, 1 heterozygote.
Comment: This study involves interpretation of variants in research participants for the purpose of population health screening. Participant phenotype was not available at the time of variant classification. Additional details can be found in publication PMID: 35346344, PMCID: PMC8962531

NM_000090.4(COL3A1):c.2122-3C>T

Gene: COL3A1 (collagen type III alpha 1 chain; plus strand). Cytogenetic location: 2q32.2.
Variant type: single nucleotide variant.
Coding change: c.2122-3C>T on transcript NM_000090.4 (MANE Select); 3 bases into the intron before coding-DNA position 2122, C replaced by T.
Molecular consequence: intron variant.
Genome position (GRCh38, 1-based): chr2:188,999,467, C>T. VCF-style: chr2-188999467-C-T. GRCh37 (hg19) VCF-style: chr2-189864193-C-T.
Identifiers: ClinVar variation 3073490 (VCV003073490.1), dbSNP rs2469143861, ClinGen allele CA2825001062.